The following is an entry in ClinVar:

ClinVar aggregate classification (germline): Uncertain significance (1 of 4 stars; one submission).

gnomAD v4.1: 10 of 1,613,242 alleles (0.00062%); highest among the groups gnomAD compares: South Asian, 0.0033%; no homozygotes.

Submission:

Labcorp Genetics (formerly Invitae), Labcorp
Classification: Uncertain significance. Last evaluated: 2022-03-27. Review status: criteria provided, single submitter. Criteria: Invitae Variant Classification Sherloc (09022015). Collection method: clinical testing. Allele origin: germline.
Comment: This sequence change replaces aspartic acid, which is acidic and polar, with asparagine, which is neutral and polar, at codon 1478 of the LCT protein (p.Asp1478Asn). This variant is present in population databases (no rsID available, gnomAD 0.003%). This variant has not been reported in the literature in individuals affected with LCT-related conditions. Algorithms developed to predict the effect of missense changes on protein structure and function output the following: SIFT: "Not Available"; PolyPhen-2: "Benign"; Align-GVGD: "Not Available". The asparagine amino acid residue is found in multiple mammalian species, which suggests that this missense change does not adversely affect protein function. In summary, the available evidence is currently insufficient to determine the role of this variant in disease. Therefore, it has been classified as a Variant of Uncertain Significance.

NM_002299.4(LCT):c.4432G>A (p.Asp1478Asn)

Gene: LCT (lactase; minus strand). Cytogenetic location: 2q21.3.
Variant type: single nucleotide variant.
Coding change: c.4432G>A on transcript NM_002299.4 (MANE Select); coding-DNA position 4432, G replaced by A.
Protein change: p.Asp1478Asn; replaces aspartic acid 1478 with asparagine.
Molecular consequence: missense variant.
Genome position (GRCh38, 1-based): chr2:135,804,799, C>T on the plus strand (G>A on the coding strand, the complement: LCT is on the minus strand). VCF-style: chr2-135804799-C-T. GRCh37 (hg19) VCF-style: chr2-136562369-C-T.
Other names: short protein forms D1478N.
Identifiers: ClinVar variation 1929053 (VCV001929053.2), dbSNP rs1344262133, ClinGen allele CA348595692.